The following is an entry in ClinVar:

ClinVar aggregate classification (germline): Pathogenic (1 of 4 stars; one submission).

Conditions:
Jeune thoracic dystrophy. Also called: Infantile thoracic dystrophy; Thoracic pelvic phalangeal dystrophy; Jeune's syndrome; Chondroectodermal dysplasia-like syndrome; Short-rib thoracic dysplasia; Jeune syndrome. Identifiers: Orphanet 474, MedGen C0265275, MONDO:0018770.

Submission:

Labcorp Genetics (formerly Invitae), Labcorp
Classification: Pathogenic for Jeune thoracic dystrophy. Last evaluated: 2023-12-31. Review status: criteria provided, single submitter. Criteria: Invitae Variant Classification Sherloc (09022015). Collection method: clinical testing. Allele origin: germline.
Comment: This sequence change creates a premature translational stop signal (p.Trp3795*) in the DYNC2H1 gene. It is expected to result in an absent or disrupted protein product. Loss-of-function variants in DYNC2H1 are known to be pathogenic (PMID: 23339108, 32753734, 33755199). This variant is not present in population databases (gnomAD no frequency). This variant has not been reported in the literature in individuals affected with DYNC2H1-related conditions. For these reasons, this variant has been classified as Pathogenic.

Literature cited by the submitters: PubMed 23339108; PubMed 32753734; PubMed 33755199.

NM_001377.3(DYNC2H1):c.11364G>A (p.Trp3788Ter)

Gene: DYNC2H1 (dynein cytoplasmic 2 heavy chain 1; plus strand). Cytogenetic location: 11q22.3.
Variant type: single nucleotide variant.
Coding change: c.11364G>A on transcript NM_001377.3 (MANE Select); coding-DNA position 11364, G replaced by A.
Protein change: p.Trp3788Ter; replaces tryptophan 3788 with a stop codon.
Molecular consequence: nonsense.
Genome position (GRCh38, 1-based): chr11:103,304,702, G>A. VCF-style: chr11-103304702-G-A. GRCh37 (hg19) VCF-style: chr11-103175431-G-A.
Other names: c.11385G>A, p.Trp3795Ter (NM_001080463.2); short protein forms W3788*, W3795*.
Identifiers: ClinVar variation 2706817 (VCV002706817.3), dbSNP rs2496867892, ClinGen allele CA382261621.
Genomic context (GRCh38, chr11:103,304,702, plus strand): 5'-AGAATGTGCCCGCAATGGAGACTGGCTCTGTTTGAAGAACTTACATCTTGTGGTATCTTG[G>A]CTGCCAGTTCTGGAAAAGGTAGATTCAGATAAATGTACAAATAATATCTATTATACTCAA-3'